The following is an entry in ClinVar:

NM_001035.3(RYR2):c.10790G>A (p.Arg3597Lys)

Gene: RYR2 (ryanodine receptor 2; plus strand). Cytogenetic location: 1q43.
Variant type: single nucleotide variant.
Coding change: c.10790G>A on transcript NM_001035.3 (MANE Select); coding-DNA position 10790, G replaced by A.
Protein change: p.Arg3597Lys; replaces arginine 3597 with lysine.
Molecular consequence: missense variant.
Genome position (GRCh38, 1-based): chr1:237,727,151, G>A. VCF-style: chr1-237727151-G-A. GRCh37 (hg19) VCF-style: chr1-237890451-G-A.
Other names: p.Arg3597Lys; c.10790G>A, p.Arg3597Lys (LRG_402t1); c.10790G>A (NM_001035.2); short protein forms R3597K.
Identifiers: ClinVar variation 500599 (VCV000500599.15), dbSNP rs757494145, ClinGen allele CA084530.

ClinVar aggregate classification (germline): Uncertain significance. Review status: criteria provided, multiple submitters, no conflicts (2 of 4 stars). 6 submissions from 6 submitters: Uncertain significance (6). Last evaluated 2025-12-18.

Conditions:
Cardiovascular phenotype. Identifiers: MedGen CN230736.
Catecholaminergic polymorphic ventricular tachycardia 1. Also called: RYR2-Related Catecholaminergic Polymorphic Ventricular Tachycardia; VENTRICULAR TACHYCARDIA, CATECHOLAMINERGIC POLYMORPHIC, 1, WITH OR WITHOUT ATRIAL DYSFUNCTION AND/OR DILATED CARDIOMYOPATHY; VENTRICULAR TACHYCARDIA, STRESS-INDUCED POLYMORPHIC 1. Identifiers: Orphanet 3286, MedGen C1631597, MONDO:0011484, OMIM 604772.
Catecholaminergic polymorphic ventricular tachycardia (CVPT). Also called: Catecholamine-induced polymorphic ventricular tachycardia. Identifiers: Orphanet 3286, MedGen C5574922, MONDO:0017990.
Cardiomyopathy (CMYO). Also called: Cardiomyopathies. Identifiers: Orphanet 167848, MedGen C0878544, MONDO:0004994, HP:0001638. Inheritance: Various modes of inheritance.

Allele frequency attached by ClinVar (database versions not stated): gnomAD exomes 0.00001; ExAC 0.00002.
gnomAD v4.1: 8 of 1,603,066 alleles (0.0005%); highest among the groups gnomAD compares: Non-Finnish European, 0.00068%; no homozygotes.

Submissions (6):

Mayo Clinic Laboratories, Mayo Clinic
Classification: Uncertain significance. Last evaluated: 2025-12-18. Review status: criteria provided, single submitter. Criteria: ACMG Guidelines, 2015. Collection method: clinical testing. Allele origin: germline. Observed: 1 variant allele.
Comment: PP3_moderate, PM2_supporting

Color Diagnostics, LLC DBA Color Health
Classification: Uncertain significance for Cardiomyopathy. Last evaluated: 2024-03-06. Review status: criteria provided, single submitter. Criteria: ACMG Guidelines, 2015. Collection method: clinical testing. Allele origin: germline.
Comment: This variant is located in the RYR2 protein. Computational prediction suggests that this variant may have deleterious impact on protein structure and function (internally defined REVEL score threshold >= 0.7, PMID: 27666373). To our knowledge, functional studies have not been reported for this variant. This variant has not been reported in individuals affected with cardiovascular disorders in the literature. This variant has been identified in 2/245636 chromosomes in the general population by the Genome Aggregation Database (gnomAD). The available evidence is insufficient to determine the role of this variant in disease conclusively. Therefore, this variant is classified as a Variant of Uncertain Significance.

Labcorp Genetics (formerly Invitae), Labcorp
Classification: Uncertain significance for Catecholaminergic polymorphic ventricular tachycardia 1. Last evaluated: 2024-02-14. Review status: criteria provided, single submitter. Criteria: Invitae Variant Classification Sherloc (09022015). Collection method: clinical testing. Allele origin: germline.
Comment: This sequence change replaces arginine, which is basic and polar, with lysine, which is basic and polar, at codon 3597 of the RYR2 protein (p.Arg3597Lys). This variant is present in population databases (rs757494145, gnomAD 0.002%). This variant has not been reported in the literature in individuals affected with RYR2-related conditions. ClinVar contains an entry for this variant (Variation ID: 500599). Advanced modeling of protein sequence and biophysical properties (such as structural, functional, and spatial information, amino acid conservation, physicochemical variation, residue mobility, and thermodynamic stability) performed at Invitae indicates that this missense variant is expected to disrupt RYR2 protein function with a positive predictive value of 80%. In summary, the available evidence is currently insufficient to determine the role of this variant in disease. Therefore, it has been classified as a Variant of Uncertain Significance.

All of Us Research Program, National Institutes of Health
Classification: Uncertain significance for Catecholaminergic polymorphic ventricular tachycardia. Last evaluated: 2023-11-30. Review status: criteria provided, single submitter. Criteria: ACMG Guidelines, 2015. Collection method: clinical testing. Allele origin: germline. Inheritance: Autosomal dominant inheritance. Observed: 1 variant allele, 1 heterozygote.
Comment: This variant is located in the RYR2 protein. Computational prediction suggests that this variant may have deleterious impact on protein structure and function (internally defined REVEL score threshold >= 0.7, PMID: 27666373). To our knowledge, functional studies have not been reported for this variant. This variant has not been reported in individuals affected with cardiovascular disorders in the literature. This variant has been identified in 2/245636 chromosomes in the general population by the Genome Aggregation Database (gnomAD). The available evidence is insufficient to determine the role of this variant in disease conclusively. Therefore, this variant is classified as a Variant of Uncertain Significance.

This study involves interpretation of variants in research participants for the purpose of population health screening. Participant phenotype was not available at the time of variant classification. Additional details can be found in publication PMID: 35346344, PMCID: PMC8962531

Ambry Genetics
Classification: Uncertain significance for Cardiovascular phenotype. Last evaluated: 2023-04-06. Review status: criteria provided, single submitter. Criteria: Ambry Variant Classification Scheme 2023. Collection method: clinical testing. Allele origin: germline.
Comment: The p.R3597K variant (also known as c.10790G>A), located in coding exon 76 of the RYR2 gene, results from a G to A substitution at nucleotide position 10790. The arginine at codon 3597 is replaced by lysine, an amino acid with highly similar properties. This amino acid position is highly conserved in available vertebrate species. In addition, this alteration is predicted to be deleterious by in silico analysis. Since supporting evidence is limited at this time, the clinical significance of this alteration remains unclear.

Eurofins Ntd Llc (ga)
Classification: Uncertain significance. Last evaluated: 2017-03-15. Review status: criteria provided, single submitter. Criteria: EGL Classification Definitions 2015. Collection method: clinical testing. Allele origin: germline. Observed: 1 variant allele, 1 heterozygote.